The following is an entry in ClinVar:

NM_001164508.2(NEB):c.934del (p.Tyr312fs)

Gene: NEB (nebulin; minus strand). Cytogenetic location: 2q23.3.
Variant type: Deletion.
Coding change: c.934del on transcript NM_001164508.2 (MANE Select); coding-DNA position 934, one base deleted (T; older notation c.934delT).
Protein change: p.Tyr312fs; shifts the reading frame from tyrosine 312.
Molecular consequence: frameshift variant.
Genome position (GRCh38, 1-based): chr2:151,709,757, A deleted on the plus strand (T on the coding strand, the reverse complement: NEB is on the minus strand). VCF-style (leftmost placement, unchanged base first): chr2-151709756-TA-T. GRCh37 (hg19) VCF-style: chr2-152566270-TA-T.
Other names: c.934del (NM_001271208.1); c.934del, p.Tyr312fs (NM_001164507.2, NM_001271208.2, NM_004543.5); short protein forms Y312fs.
Identifiers: ClinVar variation 1420415 (VCV001420415.9), dbSNP rs2150020225, ClinGen allele CA2573133627.

ClinVar aggregate classification (germline): Pathogenic/Likely pathogenic. Review status: criteria provided, multiple submitters, no conflicts (2 of 4 stars). 3 submissions from 3 submitters: Pathogenic (1); Likely pathogenic (2). Last evaluated 2023-03-18.

Conditions:
Arthrogryposis multiplex congenita 6. Identifiers: MedGen C5543431, MONDO:0030281, OMIM 619334.
Nemaline myopathy 2 (NEM2). Also called: Nemaline myopathy 2, autosomal recessive. Identifiers: MedGen C1850569, MONDO:0009725, OMIM 256030.

Submissions (3):

Baylor Genetics
Classification: Likely pathogenic for Arthrogryposis multiplex congenita 6. Last evaluated: 2023-03-18. Review status: criteria provided, single submitter. Criteria: ACMG Guidelines, 2015. Collection method: clinical testing. Allele origin: unknown.

Labcorp Genetics (formerly Invitae), Labcorp
Classification: Pathogenic for Nemaline myopathy 2. Last evaluated: 2022-07-01. Review status: criteria provided, single submitter. Criteria: Invitae Variant Classification Sherloc (09022015). Collection method: clinical testing. Allele origin: germline.
Comment: For these reasons, this variant has been classified as Pathogenic. Algorithms developed to predict the effect of sequence changes on RNA splicing suggest that this variant may disrupt the consensus splice site. ClinVar contains an entry for this variant (Variation ID: 1420415). This variant has not been reported in the literature in individuals affected with NEB-related conditions. This variant is not present in population databases (gnomAD no frequency). This sequence change creates a premature translational stop signal (p.Tyr312Thrfs*8) in the NEB gene. It is expected to result in an absent or disrupted protein product. Loss-of-function variants in NEB are known to be pathogenic (PMID: 25205138).

Juno Genomics, Hangzhou Juno Genomics, Inc
Classification: Likely pathogenic for Nemaline myopathy 2; Arthrogryposis multiplex congenita 6. Review status: criteria provided, single submitter. Criteria: ACMG Guidelines, 2015. Collection method: clinical testing. Allele origin: germline.
Comment: Null variant in a gene where loss of function (LOF) is a known mechanism of disease.;Absent from controls (or at extremely low frequency if recessive) in Genome Aggregation Database.

Literature cited by the submitters: PubMed 25205138 (cited by Labcorp Genetics (formerly Invitae), Labcorp).